The following is an entry in ClinVar:

ClinVar aggregate classification (germline): Uncertain significance. Review status: criteria provided, multiple submitters, no conflicts (2 of 4 stars). 2 submissions from 2 submitters: Uncertain significance (2). Last evaluated 2024-06-11.

Conditions:
Familial thoracic aortic aneurysm and aortic dissection (TAAD). Also called: Thoracic aortic aneurysms and dissections. Identifiers: Orphanet 91387, MedGen C4707243, MONDO:0019625.
Marfan syndrome (MFS). Also called: Marfan syndrome, classic; Marfan syndrome type 1; Marfan's syndrome; FBN1-Related Marfan Syndrome; MARFAN SYNDROME, TYPE I. Identifiers: Orphanet 284963, Orphanet 558, MedGen C0024796, MONDO:0007947, OMIM 154700.

Allele frequency attached by ClinVar (database versions not stated): gnomAD exomes below 0.00001.
gnomAD v4.1: 1 of 1,612,174 alleles (0.000062%); highest among the groups gnomAD compares: Non-Finnish European, 0.000085%; no homozygotes.

Submissions (2):

Labcorp Genetics (formerly Invitae), Labcorp
Classification: Uncertain significance for Marfan syndrome; Familial thoracic aortic aneurysm and aortic dissection. Last evaluated: 2024-06-11. Review status: criteria provided, single submitter. Criteria: Invitae Variant Classification Sherloc (09022015). Collection method: clinical testing. Allele origin: germline.
Comment: This sequence change replaces proline, which is neutral and non-polar, with serine, which is neutral and polar, at codon 1857 of the FBN1 protein (p.Pro1857Ser). This variant is not present in population databases (gnomAD no frequency). This variant has not been reported in the literature in individuals affected with FBN1-related conditions. ClinVar contains an entry for this variant (Variation ID: 924212). Advanced modeling of protein sequence and biophysical properties (such as structural, functional, and spatial information, amino acid conservation, physicochemical variation, residue mobility, and thermodynamic stability) has been performed at Invitae for this missense variant, however the output from this modeling did not meet the statistical confidence thresholds required to predict the impact of this variant on FBN1 protein function. In summary, the available evidence is currently insufficient to determine the role of this variant in disease. Therefore, it has been classified as a Variant of Uncertain Significance.

Color Diagnostics, LLC DBA Color Health
Classification: Uncertain significance for Familial thoracic aortic aneurysm and aortic dissection. Last evaluated: 2023-12-05. Review status: criteria provided, single submitter. Criteria: ACMG Guidelines, 2015. Collection method: clinical testing. Allele origin: germline.
Comment: This missense variant replaces proline with serine at codon 1857 of the FBN1 protein. Computational prediction tools and conservation analyses are inconclusive regarding the impact of this variant on the protein function. Computational splicing tools suggest that this variant may not impact RNA splicing. To our knowledge, functional assays have not been performed for this variant nor has this variant been reported in individuals affected with cardiovascular disorders in the literature. This variant has not been identified in the general population by the Genome Aggregation Database (gnomAD). Available evidence is insufficient to determine the role of this variant in disease conclusively. Therefore, this variant is classified as a Variant of Uncertain Significance.

NM_000138.5(FBN1):c.5569C>T (p.Pro1857Ser)

Gene: FBN1 (fibrillin 1; minus strand). Cytogenetic location: 15q21.1.
Variant type: single nucleotide variant.
Coding change: c.5569C>T on transcript NM_000138.5 (MANE Select); coding-DNA position 5569, C replaced by T.
Protein change: p.Pro1857Ser; replaces proline 1857 with serine.
Molecular consequence: missense variant.
Genome position (GRCh38, 1-based): chr15:48,448,870, G>A on the plus strand (C>T on the coding strand, the complement: FBN1 is on the minus strand). VCF-style: chr15-48448870-G-A. GRCh37 (hg19) VCF-style: chr15-48741067-G-A.
Other names: short protein forms P1857S.
Identifiers: ClinVar variation 924212 (VCV000924212.14), dbSNP rs2043179615, ClinGen allele CA392342381.
Genomic context (GRCh38, chr15:48,448,870, plus strand): 5'-GGCAAAGGCAATAAAAGCTTCCAACTGTGTCAATGCACTGCCCATGACTGCATATATTGG[G>A]GATTTCTTGACATTCATTACGATCTGTAAATAAGAAGCATCTTAAGTGAGAACTTAGAAG-3'
Protein context (NP_000129.3, residues 1847-1867): CNDRNECQEI[Pro1857Ser]NICSHGQCID